The following is an entry in ClinVar:

NM_001190274.2(FBXO11):c.1079C>G (p.Ala360Gly)

Gene: FBXO11 (F-box protein 11; minus strand). Cytogenetic location: 2p16.3.
Variant type: single nucleotide variant.
Coding change: c.1079C>G on transcript NM_001190274.2 (MANE Select); coding-DNA position 1079, C replaced by G.
Protein change: p.Ala360Gly; replaces alanine 360 with glycine.
Molecular consequence: missense variant.
Genome position (GRCh38, 1-based): chr2:47,832,843, G>C on the plus strand (C>G on the coding strand, the complement: FBXO11 is on the minus strand). VCF-style: chr2-47832843-G-C. GRCh37 (hg19) VCF-style: chr2-48059982-G-C.
Other names: c.827C>G, p.Ala276Gly (NM_001374325.1, NM_025133.4); short protein forms A276G, A360G.
Identifiers: ClinVar variation 2444360 (VCV002444360.1), dbSNP rs2531193635, ClinGen allele CA346765905.

ClinVar aggregate classification (germline): Uncertain significance (1 of 4 stars; one submission).

Conditions:
Intellectual developmental disorder with dysmorphic facies and behavioral abnormalities. Identifiers: MedGen C4748135, MONDO:0060760, OMIM 618089.

Submission:

3billion
Classification: Uncertain significance for Intellectual developmental disorder with dysmorphic facies and behavioral abnormalities. Last evaluated: 2023-02-23. Review status: criteria provided, single submitter. Criteria: ACMG Guidelines, 2015. Collection method: clinical testing. Allele origin: unknown. Affected: yes.
Comment: The variant is not observed in the gnomAD v2.1.1 dataset. Missense changes are a common disease-causing mechanism. Therefore, this variant is classified as VUS according to the recommendation of ACMG/AMP guideline.